The following is an entry in ClinVar:

NM_052947.4(ALPK2):c.917G>C (p.Ser306Thr)

Genes: ALPK2 (alpha kinase 2; minus strand), LOC114803473 (ALPK2 eExon liver enhancer; plus strand). Cytogenetic location: 18q21.31.
Variant type: single nucleotide variant.
Coding change: c.917G>C on transcript NM_052947.4 (MANE Select); coding-DNA position 917, G replaced by C.
Protein change: p.Ser306Thr; replaces serine 306 with threonine.
Molecular consequence: missense variant.
Genome position (GRCh38, 1-based): chr18:58,579,859, C>G on the plus strand (G>C on the coding strand, the complement: ALPK2 is on the minus strand). VCF-style: chr18-58579859-C-G. GRCh37 (hg19) VCF-style: chr18-56247091-C-G.
Other names: short protein forms S306T.
Identifiers: ClinVar variation 1766081 (VCV001766081.2), dbSNP rs750898254, ClinGen allele CA8977360.
Genomic context (GRCh38, chr18:58,579,859, plus strand): 5'-TCATCATCTGAAAACTCCTCGGTGTAGGTTAGGGTTATCTCTGGGCAAAGTTCATAGTCA[C>G]TGTCAGAGTCTTCACTGGAAAGCTGTGGGCTGGGTTGTTTGTTGGCCACGGCACTGTCAC-3'
Protein context (NP_443179.3, residues 296-316): SPQLSSEDSD[Ser306Thr]DYELCPEITL

ClinVar aggregate classification (germline): Uncertain significance (1 of 4 stars; one submission).

Allele frequency attached by ClinVar (database versions not stated): gnomAD exomes below 0.00001; ExAC 0.00001.
gnomAD v4.1: 1 of 1,614,224 alleles (0.000062%); no homozygotes.

Submission:

Ambry Genetics
Classification: Uncertain significance. Last evaluated: 2021-12-20. Review status: criteria provided, single submitter. Criteria: Ambry Variant Classification Scheme 2023. Collection method: clinical testing. Allele origin: germline.
Comment: The p.S306T variant (also known as c.917G>C), located in coding exon 3 of the ALPK2 gene, results from a G to C substitution at nucleotide position 917. The serine at codon 306 is replaced by threonine, an amino acid with similar properties. This amino acid position is conserved. In addition, this alteration is predicted to be tolerated by in silico analysis. Since supporting evidence is limited at this time, the clinical significance of this alteration remains unclear.